The following is an entry in ClinVar:

NM_000327.4(ROM1):c.905C>T (p.Ala302Val)

Gene: ROM1 (retinal outer segment membrane protein 1; plus strand). Cytogenetic location: 11q12.3.
Variant type: single nucleotide variant.
Coding change: c.905C>T on transcript NM_000327.4 (MANE Select); coding-DNA position 905, C replaced by T.
Protein change: p.Ala302Val; replaces alanine 302 with valine.
Molecular consequence: missense variant.
Genome position (GRCh38, 1-based): chr11:62,614,688, C>T. VCF-style: chr11-62614688-C-T. GRCh37 (hg19) VCF-style: chr11-62382160-C-T.
Other names: short protein forms A302V.
Identifiers: ClinVar variation 963808 (VCV000963808.10), dbSNP rs372605140, ClinGen allele CA6049870.

ClinVar aggregate classification (germline): Uncertain significance (1 of 4 stars; one submission).

Allele frequency attached by ClinVar (database versions not stated): gnomAD exomes 0.00001 and 0.00003; ExAC 0.00003; TOPMed 0.00004; gnomAD 0.00005; ESP Exome Variant Server 0.00008; 1000 Genomes Project 30x 0.00016; 1000 Genomes Project 0.00020.

Submission:

Labcorp Genetics (formerly Invitae), Labcorp
Classification: Uncertain significance. Last evaluated: 2023-03-04. Review status: criteria provided, single submitter. Criteria: Invitae Variant Classification Sherloc (09022015). Collection method: clinical testing. Allele origin: germline.
Comment: This sequence change replaces alanine, which is neutral and non-polar, with valine, which is neutral and non-polar, at codon 302 of the ROM1 protein (p.Ala302Val). In summary, the available evidence is currently insufficient to determine the role of this variant in disease. Therefore, it has been classified as a Variant of Uncertain Significance. Advanced modeling of protein sequence and biophysical properties (such as structural, functional, and spatial information, amino acid conservation, physicochemical variation, residue mobility, and thermodynamic stability) performed at Invitae indicates that this missense variant is not expected to disrupt ROM1 protein function. ClinVar contains an entry for this variant (Variation ID: 963808). This variant has not been reported in the literature in individuals affected with ROM1-related conditions. This variant is present in population databases (rs372605140, gnomAD 0.02%).